The following is an entry in ClinVar:

ClinVar aggregate classification (germline): Conflicting classifications of pathogenicity. Review status: criteria provided, conflicting classifications (1 of 4 stars). 5 submissions from 5 submitters: Uncertain significance (4); Likely benign (1). Last evaluated 2025-12-13.

Conditions:
Cardiomyopathy (CMYO). Also called: Cardiomyopathies. Identifiers: Orphanet 167848, MedGen C0878544, MONDO:0004994, HP:0001638. Inheritance: Various modes of inheritance.
Arrhythmogenic right ventricular dysplasia 2. Identifiers: MedGen C1832931.
Catecholaminergic polymorphic ventricular tachycardia 1. Also called: VENTRICULAR TACHYCARDIA, CATECHOLAMINERGIC POLYMORPHIC, 1, WITH OR WITHOUT ATRIAL DYSFUNCTION AND/OR DILATED CARDIOMYOPATHY; VENTRICULAR TACHYCARDIA, STRESS-INDUCED POLYMORPHIC 1; RYR2-Related Catecholaminergic Polymorphic Ventricular Tachycardia. Identifiers: Orphanet 3286, MedGen C1631597, MONDO:0011484, OMIM 604772.
Ventricular arrhythmias due to cardiac ryanodine receptor calcium release deficiency syndrome. Also called: Autosomal dominant cardiac arrhythmia (Kuhn). Identifiers: MedGen C5542154, MONDO:0020745, OMIM 115000.
Catecholaminergic polymorphic ventricular tachycardia (CVPT). Also called: Catecholamine-induced polymorphic ventricular tachycardia. Identifiers: Orphanet 3286, MedGen C5574922, MONDO:0017990.
Cardiovascular phenotype. Identifiers: MedGen CN230736.

Allele frequency attached by ClinVar (database versions not stated): gnomAD 0.00001; gnomAD exomes 0.00001; TOPMed 0.00001; ExAC 0.00002.
gnomAD v4.1: 23 of 1,613,510 alleles (0.0014%); highest among the groups gnomAD compares: African/African-American, 0.0067%; no homozygotes.

Submissions (5):

Labcorp Genetics (formerly Invitae), Labcorp
Classification: Likely benign for Catecholaminergic polymorphic ventricular tachycardia 1. Last evaluated: 2025-12-13. Review status: criteria provided, single submitter. Criteria: Invitae Variant Classification Sherloc (09022015). Collection method: clinical testing. Allele origin: germline.

All of Us Research Program, National Institutes of Health
Classification: Uncertain significance for Catecholaminergic polymorphic ventricular tachycardia. Last evaluated: 2024-05-14. Review status: criteria provided, single submitter. Criteria: ACMG Guidelines, 2015. Collection method: clinical testing. Allele origin: germline. Inheritance: Autosomal dominant inheritance. Observed: 1 variant allele, 1 heterozygote.
Comment: This missense variant replaces arginine with histidine at codon 4307 of the RYR2 protein. Computational prediction suggests that this variant may not impact protein structure and function (internally defined REVEL score threshold <= 0.5, PMID: 27666373). Splice site prediction tools suggest that this variant may not impact RNA splicing. To our knowledge, functional studies have not been performed for this variant. This variant has not been reported in individuals affected with cardiovascular disorders in the literature. This variant has been identified in 3/248710 chromosomes in the general population by the Genome Aggregation Database (gnomAD). The available evidence is insufficient to determine the role of this variant in disease conclusively. Therefore, this variant is classified as a Variant of Uncertain Significance.

This study involves interpretation of variants in research participants for the purpose of population health screening. Participant phenotype was not available at the time of variant classification. Additional details can be found in publication PMID: 35346344, PMCID: PMC8962531

Color Diagnostics, LLC DBA Color Health
Classification: Uncertain significance for Cardiomyopathy. Last evaluated: 2024-05-02. Review status: criteria provided, single submitter. Criteria: ACMG Guidelines, 2015. Collection method: clinical testing. Allele origin: germline.
Comment: This missense variant replaces arginine with histidine at codon 4307 of the RYR2 protein. Computational prediction suggests that this variant may not impact protein structure and function (internally defined REVEL score threshold <= 0.5, PMID: 27666373). To our knowledge, functional studies have not been reported for this variant. This variant has not been reported in individuals affected with RYR2-related disorders in the literature. This variant has been identified in 3/248710 chromosomes in the general population by the Genome Aggregation Database (gnomAD). The available evidence is insufficient to determine the role of this variant in disease conclusively. Therefore, this variant is classified as a Variant of Uncertain Significance.

Fulgent Genetics
Classification: Uncertain significance for Ventricular arrhythmias due to cardiac ryanodine receptor calcium release deficiency syndrome; Catecholaminergic polymorphic ventricular tachycardia 1. Last evaluated: 2021-08-10. Review status: criteria provided, single submitter. Criteria: ACMG Guidelines, 2015. Collection method: clinical testing. Allele origin: unknown.

Ambry Genetics
Classification: Uncertain significance for Cardiovascular phenotype. Last evaluated: 2018-08-07. Review status: criteria provided, single submitter. Criteria: Ambry Variant Classification Scheme 2023. Collection method: clinical testing. Allele origin: germline.
Comment: The p.R4307H variant (also known as c.12920G>A), located in coding exon 90 of the RYR2 gene, results from a G to A substitution at nucleotide position 12920. The arginine at codon 4307 is replaced by histidine, an amino acid with highly similar properties. Another alteration affecting this amino acid (p.R4307C) has been detected in arrhythmia cohorts; however, clinical details were not provided, and the alteration is also seen in general population cohorts (Medeiros-Domingo A et al. J Am Coll Cardiol. 2009;54:2065-74; Paludan-M&uuml;ller C et al. Clin Genet. 2017;91(1):63-72). This amino acid position is well conserved in available vertebrate species. In addition, this alteration is predicted to be tolerated by in silico analysis. Since supporting evidence is limited at this time, the clinical significance of this alteration remains unclear.

NM_001035.3(RYR2):c.12920G>A (p.Arg4307His)

Genes: RYR2 (ryanodine receptor 2; plus strand), LOC126806068 (BRD4-independent group 4 enhancer GRCh37_chr1:237947411-237948610; plus strand). Cytogenetic location: 1q43.
Variant type: single nucleotide variant.
Coding change: c.12920G>A on transcript NM_001035.3 (MANE Select); coding-DNA position 12920, G replaced by A.
Protein change: p.Arg4307His; replaces arginine 4307 with histidine.
Molecular consequence: missense variant.
Genome position (GRCh38, 1-based): chr1:237,784,632, G>A. VCF-style: chr1-237784632-G-A. GRCh37 (hg19) VCF-style: chr1-237947932-G-A.
Other names: c.12920G>A (NM_001035.2); short protein forms R4307H.
Identifiers: ClinVar variation 927712 (VCV000927712.13), dbSNP rs769146715, ClinGen allele CA085257.